The following is an entry in ClinVar:

NM_207361.6(FREM2):c.2890A>G (p.Ile964Val)

Gene: FREM2 (FRAS1 related extracellular matrix 2; plus strand). Cytogenetic location: 13q13.3.
Variant type: single nucleotide variant.
Coding change: c.2890A>G on transcript NM_207361.6 (MANE Select); coding-DNA position 2890, A replaced by G.
Protein change: p.Ile964Val; replaces isoleucine 964 with valine.
Molecular consequence: missense variant.
Genome position (GRCh38, 1-based): chr13:38,690,234, A>G. VCF-style: chr13-38690234-A-G. GRCh37 (hg19) VCF-style: chr13-39264371-A-G.
Other names: c.2890A>G (NM_207361.4); short protein forms I964V.
Identifiers: ClinVar variation 2172462 (VCV002172462.3), dbSNP rs550787922, ClinGen allele CA6954689.

ClinVar aggregate classification (germline): Conflicting classifications of pathogenicity. Review status: criteria provided, conflicting classifications (1 of 4 stars). 2 submissions from 2 submitters: Uncertain significance (1); Likely benign (1). Last evaluated 2025-01-29.

Conditions:
Inborn genetic diseases. Identifiers: MedGen C0950123, MeSH D030342.

Allele frequency attached by ClinVar (database versions not stated): gnomAD 0.00004; TOPMed 0.00006; ExAC 0.00007; gnomAD exomes 0.00009.
gnomAD v4.1: 135 of 1,614,048 alleles (0.0084%); highest among the groups gnomAD compares: Non-Finnish European, 0.011%; no homozygotes.

Submissions (2):

Labcorp Genetics (formerly Invitae), Labcorp
Classification: Uncertain significance. Last evaluated: 2025-01-29. Review status: criteria provided, single submitter. Criteria: Invitae Variant Classification Sherloc (09022015). Collection method: clinical testing. Allele origin: germline.
Comment: This sequence change replaces isoleucine, which is neutral and non-polar, with valine, which is neutral and non-polar, at codon 964 of the FREM2 protein (p.Ile964Val). This variant is present in population databases (rs550787922, gnomAD 0.01%). This variant has not been reported in the literature in individuals affected with FREM2-related conditions. ClinVar contains an entry for this variant (Variation ID: 2172462). Invitae Evidence Modeling of protein sequence and biophysical properties (such as structural, functional, and spatial information, amino acid conservation, physicochemical variation, residue mobility, and thermodynamic stability) indicates that this missense variant is not expected to disrupt FREM2 protein function with a negative predictive value of 80%. In summary, the available evidence is currently insufficient to determine the role of this variant in disease. Therefore, it has been classified as a Variant of Uncertain Significance.

Ambry Genetics
Classification: Likely benign for Inborn genetic diseases. Last evaluated: 2022-10-06. Review status: criteria provided, single submitter. Criteria: Ambry Variant Classification Scheme 2023. Collection method: clinical testing. Allele origin: germline.